The following is an entry in ClinVar:

ClinVar aggregate classification (germline): Likely pathogenic (1 of 4 stars; one submission).

Conditions:
ZTTK syndrome (ZTTKS). Also called: Zhu-Tokita-Takenouchi-Kim Syndrome; ZTTK MULTIPLE CONGENITAL ANOMALIES-MENTAL RETARDATION SYNDROME. Identifiers: Orphanet 500150, MedGen C4310696, MONDO:0014936, OMIM 617140.

Submission:

Neuberg Centre For Genomic Medicine, NCGM
Classification: Likely pathogenic for ZTTK syndrome. Review status: criteria provided, single submitter. Criteria: ACMG Guidelines, 2015. Collection method: clinical testing. Allele origin: germline. Inheritance: Autosomal dominant inheritance. Affected: yes.
Comment: The frameshift c.3676del (p.Val1226CysfsTer15) variant in the SON gene has not been reported previously as a pathogenic variant nor as a benign variant, to our knowledge. The variant is absent in gnomAD Exomes. This variant causes a frameshift starting with codon Valine 1226, changes this amino acid to Cysteine residue, and creates a premature Stop codon at position 15 of the new reading frame, denoted p.Val1226CysfsTer15. This variant is predicted to cause loss of normal protein function through protein truncation. Loss of function variants have been previously reported to be disease causing. For these reasons, this variant has been classified as Likely Pathogenic.

NM_138927.4(SON):c.3676del (p.Val1226fs)

Gene: SON (SON DNA and RNA binding protein; plus strand). Cytogenetic location: 21q22.11.
Variant type: Deletion.
Coding change: c.3676del on transcript NM_138927.4 (MANE Select); coding-DNA position 3676, one base deleted (G; older notation c.3676delG).
Protein change: p.Val1226fs; shifts the reading frame from valine 1226.
Molecular consequence: frameshift variant. On other transcripts: non-coding transcript variant (1), intron variant (1).
Genome position (GRCh38, 1-based): chr21:33,552,907, G deleted. VCF-style (leftmost placement, unchanged base first): chr21-33552906-AG-A. GRCh37 (hg19) VCF-style: chr21-34925212-AG-A.
Other names: c.3676del, p.Val1226fs (NM_001291411.2, NM_032195.3); c.3676delG, p.Val1226Cysfs (NM_001412133.1, NM_058183.2, NM_138926.1); c.245-4249del (NM_001291412.3); short protein forms V1226fs.
Identifiers: ClinVar variation 3242067 (VCV003242067.1), dbSNP rs2517373699.